The following is an entry in ClinVar:

ClinVar aggregate classification (germline): Uncertain significance. Review status: criteria provided, multiple submitters, no conflicts (2 of 4 stars). 2 submissions from 2 submitters: Uncertain significance (2). Last evaluated 2026-07-26.

Conditions:
Familial thoracic aortic aneurysm and aortic dissection (TAAD). Also called: Thoracic aortic aneurysms and dissections. Identifiers: Orphanet 91387, MedGen C4707243, MONDO:0019625.
Adams-Oliver syndrome 5 (AOS5). Identifiers: Orphanet 974, MedGen C4014970, MONDO:0014459, OMIM 616028.

Allele frequency attached by ClinVar (database versions not stated): gnomAD 0.00001; gnomAD exomes below 0.00001; TOPMed below 0.00001.
gnomAD v4.1: 4 of 1,612,048 alleles (0.00025%); highest among the groups gnomAD compares: Non-Finnish European, 0.00034%; no homozygotes.

Submissions (2):

Ambry Genetics
Classification: Uncertain significance for Familial thoracic aortic aneurysm and aortic dissection. Last evaluated: 2026-07-26. Review status: criteria provided, single submitter. Criteria: Ambry Variant Classification Scheme 2023. Collection method: clinical testing. Allele origin: germline.
Comment: The p.N2086Y variant (also known as c.6256A>T), located in coding exon 34 of the NOTCH1 gene, results from an A to T substitution at nucleotide position 6256. The asparagine at codon 2086 is replaced by tyrosine, an amino acid with dissimilar properties. This amino acid position is conserved. In addition, the in silico prediction for this alteration is inconclusive. Based on the available evidence, the clinical significance of this variant remains unclear.

Labcorp Genetics (formerly Invitae), Labcorp
Classification: Uncertain significance for Adams-Oliver syndrome 5. Last evaluated: 2024-04-16. Review status: criteria provided, single submitter. Criteria: Invitae Variant Classification Sherloc (09022015). Collection method: clinical testing. Allele origin: germline.
Comment: This sequence change replaces asparagine, which is neutral and polar, with tyrosine, which is neutral and polar, at codon 2086 of the NOTCH1 protein (p.Asn2086Tyr). This variant is not present in population databases (gnomAD no frequency). This variant has not been reported in the literature in individuals affected with NOTCH1-related conditions. Advanced modeling of protein sequence and biophysical properties (such as structural, functional, and spatial information, amino acid conservation, physicochemical variation, residue mobility, and thermodynamic stability) performed at Invitae indicates that this missense variant is not expected to disrupt NOTCH1 protein function with a negative predictive value of 80%. In summary, the available evidence is currently insufficient to determine the role of this variant in disease. Therefore, it has been classified as a Variant of Uncertain Significance.

NM_017617.5(NOTCH1):c.6256A>T (p.Asn2086Tyr)

Gene: NOTCH1 (notch receptor 1; minus strand). Cytogenetic location: 9q34.3.
Variant type: single nucleotide variant.
Coding change: c.6256A>T on transcript NM_017617.5 (MANE Select); coding-DNA position 6256, A replaced by T.
Protein change: p.Asn2086Tyr; replaces asparagine 2086 with tyrosine.
Molecular consequence: missense variant.
Genome position (GRCh38, 1-based): chr9:136,497,483, T>A on the plus strand (A>T on the coding strand, the complement: NOTCH1 is on the minus strand). VCF-style: chr9-136497483-T-A. GRCh37 (hg19) VCF-style: chr9-139391935-T-A.
Other names: c.6256A>T (NM_017617.3); short protein forms N2086Y.
Identifiers: ClinVar variation 2729596 (VCV002729596.4), dbSNP rs1842936029, ClinGen allele CA375632128.
Genomic context (GRCh38, chr9:136,497,483, plus strand): 5'-GCATGCGCTCCTGTGCGATGTCGCGCGGCAGGCGGTCCATATGATCCGTGATGTCCCGGT[T>A]GGCAAAGTGGTCCAGCAGCACCTTGGCGGTCTCGTAGCTGCCCTCCCGGGCGGCCAGAAA-3'
Protein context (NP_060087.3, residues 2076-2096): TAKVLLDHFA[Asn2086Tyr]RDITDHMDRL